The following is an entry in ClinVar:

NM_006922.4(SCN3A):c.5453C>A (p.Ala1818Asp)

Gene: SCN3A (sodium voltage-gated channel alpha subunit 3; minus strand). Cytogenetic location: 2q24.3.
Variant type: single nucleotide variant.
Coding change: c.5453C>A on transcript NM_006922.4 (MANE Select); coding-DNA position 5453, C replaced by A.
Protein change: p.Ala1818Asp; replaces alanine 1818 with aspartic acid.
Molecular consequence: missense variant.
Genome position (GRCh38, 1-based): chr2:165,090,700, G>T on the plus strand (C>A on the coding strand, the complement: SCN3A is on the minus strand). VCF-style: chr2-165090700-G-T. GRCh37 (hg19) VCF-style: chr2-165947210-G-T.
Other names: c.5306C>A, p.Ala1769Asp (NM_001081676.2, NM_001081677.2); short protein forms A1818D, A1769D.
Identifiers: ClinVar variation 2193696 (VCV002193696.4), dbSNP rs750426459, ClinGen allele CA1938402.

ClinVar aggregate classification (germline): Uncertain significance (1 of 4 stars; one submission).

Allele frequency attached by ClinVar (database versions not stated): ExAC 0.00001; gnomAD exomes 0.00001.
gnomAD v4.1: 10 of 1,614,086 alleles (0.00062%); highest among the groups gnomAD compares: African/African-American, 0.0013%; no homozygotes.

Submission:

Labcorp Genetics (formerly Invitae), Labcorp
Classification: Uncertain significance. Last evaluated: 2025-11-09. Review status: criteria provided, single submitter. Criteria: Invitae Variant Classification Sherloc (09022015). Collection method: clinical testing. Allele origin: germline.
Comment: This sequence change replaces alanine, which is neutral and non-polar, with aspartic acid, which is acidic and polar, at codon 1818 of the SCN3A protein (p.Ala1818Asp). This variant is present in population databases (rs750426459, gnomAD 0.007%). This variant has not been reported in the literature in individuals affected with SCN3A-related conditions. ClinVar contains an entry for this variant (Variation ID: 2193696). Invitae Evidence Modeling of protein sequence and biophysical properties (such as structural, functional, and spatial information, amino acid conservation, physicochemical variation, residue mobility, and thermodynamic stability) indicates that this missense variant is not expected to disrupt SCN3A protein function with a negative predictive value of 95%. In summary, the available evidence is currently insufficient to determine the role of this variant in disease. Therefore, it has been classified as a Variant of Uncertain Significance.